The following is an entry in ClinVar:

ClinVar aggregate classification (germline): Uncertain significance (0 of 4 stars; one submission).

Conditions:
NOTCH2-related disorder. Also called: NOTCH2-related condition.

Submission:

PreventionGenetics, part of Exact Sciences
Classification: Uncertain significance for NOTCH2-related condition. Last evaluated: 2024-08-14. Review status: no assertion criteria provided. Collection method: clinical testing. Allele origin: germline.
Comment: The NOTCH2 c.3214T>C variant is predicted to result in the amino acid substitution p.Cys1072Arg. To our knowledge, this variant has not been reported in the literature or in a large population database, indicating this variant is rare. At this time, the clinical significance of this variant is uncertain due to the absence of conclusive functional and genetic evidence.

NM_024408.4(NOTCH2):c.3214T>C (p.Cys1072Arg)

Gene: NOTCH2 (notch receptor 2; minus strand). Cytogenetic location: 1p12.
Variant type: single nucleotide variant.
Coding change: c.3214T>C on transcript NM_024408.4 (MANE Select); coding-DNA position 3214, T replaced by C.
Protein change: p.Cys1072Arg; replaces cysteine 1072 with arginine.
Molecular consequence: missense variant.
Genome position (GRCh38, 1-based): chr1:119,937,980, A>G on the plus strand (T>C on the coding strand, the complement: NOTCH2 is on the minus strand). VCF-style: chr1-119937980-A-G. GRCh37 (hg19) VCF-style: chr1-120480603-A-G.
Other names: c.3214T>C, p.Cys1072Arg (NM_001200001.2); short protein forms C1072R.
Identifiers: ClinVar variation 3344987 (VCV003344987.1).
Genomic context (GRCh38, chr1:119,937,980, plus strand): 5'-CAGATGGACATAGGCACTGGGACTCTGCTTTTTTCTGAACGCAAGTACCTTTGTTTTTAC[A>G]TGGAGACCGACTGCAGAGATTCACCAGGGTCTGAAACAGAGGCAGGGGTGTACATACATC-3'
Protein context (NP_077719.2, residues 1062-1082): TLVNLCSRSP[Cys1072Arg]KNKGTCVQKK